The following is an entry in ClinVar:

NM_001166108.2(PALLD):c.259G>T (p.Gly87Cys)

Gene: PALLD (palladin, cytoskeletal associated protein; plus strand). Cytogenetic location: 4q32.3.
Variant type: single nucleotide variant.
Coding change: c.259G>T on transcript NM_001166108.2 (MANE Select); coding-DNA position 259, G replaced by T.
Protein change: p.Gly87Cys; replaces glycine 87 with cysteine.
Molecular consequence: missense variant.
Genome position (GRCh38, 1-based): chr4:168,511,763, G>T. VCF-style: chr4-168511763-G-T. GRCh37 (hg19) VCF-style: chr4-169432914-G-T.
Other names: c.259G>T, p.Gly87Cys (NM_016081.4); short protein forms G87C.
Identifiers: ClinVar variation 3304090 (VCV003304090.1).

ClinVar aggregate classification (germline): Uncertain significance (1 of 4 stars; one submission).

Submission:

Ambry Genetics
Classification: Uncertain significance. Last evaluated: 2024-05-16. Review status: criteria provided, single submitter. Criteria: Ambry Variant Classification Scheme 2023. Collection method: clinical testing. Allele origin: germline.
Comment: The p.G87C variant (also known as c.259G>T), located in coding exon 1 of the PALLD gene, results from a G to T substitution at nucleotide position 259. The glycine at codon 87 is replaced by cysteine, an amino acid with highly dissimilar properties. This amino acid position is conserved. In addition, this alteration is predicted to be tolerated by in silico analysis. Based on the available evidence, the clinical significance of this variant remains unclear.